The following is an entry in ClinVar:

ClinVar aggregate classification (germline): Pathogenic (1 of 4 stars; one submission).

Conditions:
Cranioectodermal dysplasia 2 (CED2). Identifiers: Orphanet 1515, MedGen C3150874, MONDO:0013323, OMIM 613610.
Short-rib thoracic dysplasia 7 with or without polydactyly (SRTD7). Also called: Short rib polydactyly syndrome 5; SHORT-RIB THORACIC DYSPLASIA 7 WITH POLYDACTYLY. Identifiers: Orphanet 498497, Orphanet 93271, MedGen C3279792, MONDO:0013569, OMIM 614091.

Submission:

Labcorp Genetics (formerly Invitae), Labcorp
Classification: Pathogenic for Cranioectodermal dysplasia 2; Short-rib thoracic dysplasia 7 with or without polydactyly. Last evaluated: 2022-06-05. Review status: criteria provided, single submitter. Criteria: Invitae Variant Classification Sherloc (09022015). Collection method: clinical testing. Allele origin: germline.
Comment: This sequence change creates a premature translational stop signal (p.Glu404Glyfs*13) in the WDR35 gene. It is expected to result in an absent or disrupted protein product. Loss-of-function variants in WDR35 are known to be pathogenic (PMID: 22486404, 29068549). This variant is present in population databases (no rsID available, gnomAD 0.003%). This variant has not been reported in the literature in individuals affected with WDR35-related conditions. ClinVar contains an entry for this variant (Variation ID: 570299). Algorithms developed to predict the effect of sequence changes on RNA splicing suggest that this variant may disrupt the consensus splice site. For these reasons, this variant has been classified as Pathogenic.

Literature cited by the submitters: PubMed 22486404; PubMed 29068549.

NM_001006657.2(WDR35):c.1210dup (p.Glu404fs)

Gene: WDR35 (WD repeat domain 35; minus strand). Cytogenetic location: 2p24.1.
Variant type: Duplication.
Coding change: c.1210dup on transcript NM_001006657.2 (MANE Plus Clinical); coding-DNA position 1210, one base duplicated (G; older notation c.1210dupG).
Protein change: p.Glu404fs; shifts the reading frame from glutamic acid 404.
Molecular consequence: frameshift variant. On other transcripts: intron variant (1).
Genome position (GRCh38, 1-based): chr2:19,962,312, C duplicated on the plus strand (G on the coding strand, the reverse complement: WDR35 is on the minus strand); the first of 2 consecutive C bases (chr2:19,962,312-19,962,313); duplicating either gives the same sequence. VCF-style (leftmost placement, unchanged base first): chr2-19962311-T-TC. GRCh37 (hg19) VCF-style: chr2-20162072-T-TC.
Other names: c.1210dupG (NM_001006657.1); c.1195-1699dup (NM_020779.4); short protein forms E404fs.
Identifiers: ClinVar variation 570299 (VCV000570299.6), dbSNP rs1327489348, ClinGen allele CA530855752.
Genomic context (GRCh38, chr2:19,962,311, plus strand): 5'-TTTATCCTATGATCAGCTATATAAGAGCTAATTTCATTTGTTACCGTTGCACCAAATGTC[T>TC]CCATCTCGTTCTCCTCCTTTGAAGCAATATATAAATGACAGGAGAAATTCAGAAAAATTC-3'